The following is an entry in ClinVar:

NM_005559.4(LAMA1):c.2276C>T (p.Ala759Val)

Gene: LAMA1 (laminin subunit alpha 1; minus strand). Cytogenetic location: 18p11.31.
Variant type: single nucleotide variant.
Coding change: c.2276C>T on transcript NM_005559.4 (MANE Select); coding-DNA position 2276, C replaced by T.
Protein change: p.Ala759Val; replaces alanine 759 with valine.
Molecular consequence: missense variant.
Genome position (GRCh38, 1-based): chr18:7,026,105, G>A on the plus strand (C>T on the coding strand, the complement: LAMA1 is on the minus strand). VCF-style: chr18-7026105-G-A. GRCh37 (hg19) VCF-style: chr18-7026104-G-A.
Other names: c.2276C>T (NM_005559.3); short protein forms A759V.
Identifiers: ClinVar variation 2203035 (VCV002203035.5), dbSNP rs759093705, ClinGen allele CA8882694.
Genomic context (GRCh38, chr18:7,026,105, plus strand): 5'-TCCCCGTAGAAGCCGGGCAAGCACTGCTCACAGTGGACGCCGGTGGTGTTGTGCGCACAC[G>A]CCTAGGAACATGCACCAGAAGAATCAGCTCAGGTTGTCTTAAAGGATTTTCAGATTTATC-3'
Protein context (NP_005550.2, residues 749-769): AECNVHGVCI[Ala759Val]CAHNTTGVHC

ClinVar aggregate classification (germline): Uncertain significance. Review status: criteria provided, multiple submitters, no conflicts (2 of 4 stars). 2 submissions from 2 submitters: Uncertain significance (2). Last evaluated 2025-04-28.

Conditions:
Inborn genetic diseases. Identifiers: MedGen C0950123, MeSH D030342.

Allele frequency attached by ClinVar (database versions not stated): gnomAD 0.00002; gnomAD exomes 0.00002; TOPMed 0.00002; ExAC 0.00010.
gnomAD v4.1: 30 of 1,610,836 alleles (0.0019%); highest among the groups gnomAD compares: Admixed American, 0.0033%; no homozygotes.

Submissions (2):

Labcorp Genetics (formerly Invitae), Labcorp
Classification: Uncertain significance. Last evaluated: 2025-04-28. Review status: criteria provided, single submitter. Criteria: Invitae Variant Classification Sherloc (09022015). Collection method: clinical testing. Allele origin: germline.
Comment: This sequence change replaces alanine, which is neutral and non-polar, with valine, which is neutral and non-polar, at codon 759 of the LAMA1 protein (p.Ala759Val). This variant is present in population databases (rs759093705, gnomAD 0.007%). This variant has not been reported in the literature in individuals affected with LAMA1-related conditions. ClinVar contains an entry for this variant (Variation ID: 2203035). An algorithm developed to predict the effect of missense changes on protein structure and function outputs the following: PolyPhen-2: "Benign". The valine amino acid residue is found in multiple mammalian species, which suggests that this missense change does not adversely affect protein function. In summary, the available evidence is currently insufficient to determine the role of this variant in disease. Therefore, it has been classified as a Variant of Uncertain Significance.

Ambry Genetics
Classification: Uncertain significance for Inborn genetic diseases. Last evaluated: 2024-07-27. Review status: criteria provided, single submitter. Criteria: Ambry Variant Classification Scheme 2023. Collection method: clinical testing. Allele origin: germline.